The following is an entry in ClinVar:

NM_001130144.3(LTBP3):c.1854_1860dup (p.Glu621fs)

Gene: LTBP3 (latent transforming growth factor beta binding protein 3; minus strand). Cytogenetic location: 11q13.1.
Variant type: Duplication.
Coding change: c.1854_1860dup on transcript NM_001130144.3 (MANE Select); coding-DNA positions 1854 to 1860, 7 bases duplicated (CGAGTGC; older notation c.1854_1860dupCGAGTGC).
Protein change: p.Glu621fs; shifts the reading frame from glutamic acid 621.
Molecular consequence: frameshift variant.
Genome position (GRCh38, 1-based): chr11:65,547,808-65,547,814, GCACTCG duplicated on the plus strand (CGAGTGC on the coding strand, the reverse complement: LTBP3 is on the minus strand). VCF-style (leftmost placement, unchanged base first): chr11-65547807-C-CGCACTCG. GRCh37 (hg19) VCF-style: chr11-65315278-C-CGCACTCG.
Other names: c.1503_1509dup, p.Glu504fs (NM_001164266.1); c.1854_1860dup, p.Glu621fs (NM_021070.4); short protein forms E621fs, E504fs.
Identifiers: ClinVar variation 1950571 (VCV001950571.5), dbSNP rs2496154682, ClinGen allele CA2580084480.

ClinVar aggregate classification (germline): Pathogenic (1 of 4 stars; one submission).

Conditions:
Brachyolmia-amelogenesis imperfecta syndrome. Also called: PLATYSPONDYLY WITH AMELOGENESIS IMPERFECTA; Tooth agenesis, selective, 6; Dental anomalies and short stature. Identifiers: Orphanet 2899, MedGen C1832594, MONDO:0011018, OMIM 601216. Disease mechanism: loss of function.

Allele frequency attached by ClinVar (database versions not stated): gnomAD exomes below 0.00001.

Submission:

Labcorp Genetics (formerly Invitae), Labcorp
Classification: Pathogenic for Brachyolmia-amelogenesis imperfecta syndrome. Last evaluated: 2022-07-27. Review status: criteria provided, single submitter. Criteria: Invitae Variant Classification Sherloc (09022015). Collection method: clinical testing. Allele origin: germline.
Comment: For these reasons, this variant has been classified as Pathogenic. This variant has not been reported in the literature in individuals affected with LTBP3-related conditions. This sequence change creates a premature translational stop signal (p.Glu621Argfs*172) in the LTBP3 gene. It is expected to result in an absent or disrupted protein product. Loss-of-function variants in LTBP3 are known to be pathogenic (PMID: 11790802, 19344874, 25669657). This variant is not present in population databases (gnomAD no frequency).

Literature cited by the submitters: PubMed 11790802; PubMed 19344874; PubMed 25669657.